The following is an entry in ClinVar:

ClinVar aggregate classification (germline): Uncertain significance. Review status: criteria provided, multiple submitters, no conflicts (2 of 4 stars). 2 submissions from 2 submitters: Uncertain significance (2). Last evaluated 2026-04-01.

Submissions (2):

Women's Health and Genetics/Laboratory Corporation of America, LabCorp
Classification: Uncertain significance. Last evaluated: 2026-04-01. Review status: criteria provided, single submitter. Criteria: LabCorp Variant Classification Summary - May 2015. Collection method: clinical testing. Allele origin: germline.
Comment: Variant summary: AEBP1 c.3390_3398delGGAGGAGAA (p.Lys1133_Glu1135del) results in an in-frame deletion that is predicted to remove three amino acids from the encoded protein. The variant allele was found at a frequency of 0.00025 in 251278 control chromosomes. This frequency is not significantly higher than estimated for disease-causing variants in AEBP1, allowing no conclusion about variant significance. To our knowledge, no occurrence of c.3390_3398delGGAGGAGAA in individuals affected with AEBP1-related conditions and no experimental evidence demonstrating its impact on protein function have been reported. ClinVar contains an entry for this variant (Variation ID: 1436259). Based on the evidence outlined above, the variant was classified as uncertain significance.

Labcorp Genetics (formerly Invitae), Labcorp
Classification: Uncertain significance. Last evaluated: 2022-06-14. Review status: criteria provided, single submitter. Criteria: Invitae Variant Classification Sherloc (09022015). Collection method: clinical testing. Allele origin: germline.
Comment: This variant, c.3390_3398del, results in the deletion of 3 amino acid(s) of the AEBP1 protein (p.Lys1133_Glu1135del), but otherwise preserves the integrity of the reading frame. This variant is present in population databases (rs765774763, gnomAD 0.1%). This variant has not been reported in the literature in individuals affected with AEBP1-related conditions. Experimental studies and prediction algorithms are not available or were not evaluated, and the functional significance of this variant is currently unknown. In summary, the available evidence is currently insufficient to determine the role of this variant in disease. Therefore, it has been classified as a Variant of Uncertain Significance.

NM_001129.5(AEBP1):c.3390_3398del (p.Lys1133_Glu1135del)

Gene: AEBP1 (AE binding protein 1; plus strand). Cytogenetic location: 7p13.
Variant type: Deletion.
Coding change: c.3390_3398del on transcript NM_001129.5 (MANE Select); coding-DNA positions 3390 to 3398, 9 bases deleted (GGAGGAGAA; older notation c.3390_3398delGGAGGAGAA).
Protein change: p.Lys1133_Glu1135del.
Molecular consequence: inframe deletion.
Genome position (GRCh38, 1-based): chr7:44,114,174-44,114,182, GGAGGAGAA deleted; deleting any 9 consecutive bases within chr7:44,114,173-44,114,182 gives the same sequence; the c. name uses the placement nearest the transcript's 3' end. VCF-style (leftmost placement, unchanged base first): chr7-44114172-GAGGAGGAGA-G. GRCh37 (hg19) VCF-style: chr7-44153771-GAGGAGGAGA-G.
Other names: c.3390_3398delGGAGGAGAA (NM_001129.5).
Identifiers: ClinVar variation 1436259 (VCV001436259.6), dbSNP rs765774763, ClinGen allele CA4238484.